The following is an entry in ClinVar:

ClinVar aggregate classification (germline): Uncertain significance (1 of 4 stars; one submission).

Allele frequency attached by ClinVar (database versions not stated): gnomAD exomes below 0.00001.
gnomAD v4.1: 1 of 1,548,952 alleles (0.000065%); highest among the groups gnomAD compares: Non-Finnish European, 0.000087%; no homozygotes.

Submission:

Labcorp Genetics (formerly Invitae), Labcorp
Classification: Uncertain significance. Last evaluated: 2021-10-27. Review status: criteria provided, single submitter. Criteria: Invitae Variant Classification Sherloc (09022015). Collection method: clinical testing. Allele origin: germline.
Comment: In summary, the available evidence is currently insufficient to determine the role of this variant in disease. Therefore, it has been classified as a Variant of Uncertain Significance. Algorithms developed to predict the effect of missense changes on protein structure and function (SIFT, PolyPhen-2, Align-GVGD) all suggest that this variant is likely to be tolerated. This variant has not been reported in the literature in individuals affected with ADAMTS10-related conditions. This variant is not present in population databases (gnomAD no frequency). This sequence change replaces serine, a(n) neutral and polar amino acid, with arginine, a(n) basic and polar amino acid, at codon 1059 of the ADAMTS10 protein (p.Ser1059Arg).

NM_030957.4(ADAMTS10):c.3177C>A (p.Ser1059Arg)

Gene: ADAMTS10 (ADAM metallopeptidase with thrombospondin type 1 motif 10; minus strand). Cytogenetic location: 19p13.2.
Variant type: single nucleotide variant.
Coding change: c.3177C>A on transcript NM_030957.4 (MANE Select); coding-DNA position 3177, C replaced by A.
Protein change: p.Ser1059Arg; replaces serine 1059 with arginine.
Molecular consequence: missense variant.
Genome position (GRCh38, 1-based): chr19:8,584,920, G>T on the plus strand (C>A on the coding strand, the complement: ADAMTS10 is on the minus strand). VCF-style: chr19-8584920-G-T. GRCh37 (hg19) VCF-style: chr19-8649804-G-T.
Other names: c.1638C>A, p.Ser546Arg (NM_001282352.2); short protein forms S546R, S1059R.
Identifiers: ClinVar variation 1347511 (VCV001347511.6), dbSNP rs2146037761, ClinGen allele CA403748098.